The following is an entry in ClinVar:

ClinVar aggregate classification (germline): Uncertain significance (1 of 4 stars; one submission).

Submission:

Labcorp Genetics (formerly Invitae), Labcorp
Classification: Uncertain significance. Last evaluated: 2025-04-21. Review status: criteria provided, single submitter. Criteria: Invitae Variant Classification Sherloc (09022015). Collection method: clinical testing. Allele origin: germline.
Comment: This sequence change replaces proline, which is neutral and non-polar, with threonine, which is neutral and polar, at codon 697 of the TOP2B protein (p.Pro697Thr). This variant is not present in population databases (gnomAD no frequency). This variant has not been reported in the literature in individuals affected with TOP2B-related conditions. ClinVar contains an entry for this variant (Variation ID: 2762554). An algorithm developed to predict the effect of missense changes on protein structure and function (PolyPhen-2) suggests that this variant is likely to be tolerated. In summary, the available evidence is currently insufficient to determine the role of this variant in disease. Therefore, it has been classified as a Variant of Uncertain Significance.

NM_001330700.2(TOP2B):c.2104C>A (p.Pro702Thr)

Gene: TOP2B (DNA topoisomerase II beta; minus strand). Cytogenetic location: 3p24.2.
Variant type: single nucleotide variant.
Coding change: c.2104C>A on transcript NM_001330700.2 (MANE Select); coding-DNA position 2104, C replaced by A.
Protein change: p.Pro702Thr; replaces proline 702 with threonine.
Molecular consequence: missense variant.
Genome position (GRCh38, 1-based): chr3:25,626,777, G>T on the plus strand (C>A on the coding strand, the complement: TOP2B is on the minus strand). VCF-style: chr3-25626777-G-T. GRCh37 (hg19) VCF-style: chr3-25668268-G-T.
Other names: c.2089C>A, p.Pro697Thr (NM_001068.3); short protein forms P697T, P702T.
Identifiers: ClinVar variation 2762554 (VCV002762554.3), dbSNP rs2470344169, ClinGen allele CA351905583.